The following is an entry in ClinVar:

ClinVar aggregate classification (germline): Pathogenic. Review status: criteria provided, single submitter (1 of 4 stars). 2 submissions from 2 submitters: Pathogenic (1). 1 of the submissions does not count toward it. Last evaluated 2022-06-05.

Conditions:
Childhood hypophosphatasia. Identifiers: Orphanet 247667, Orphanet 436, MedGen C0220743, MONDO:1010168, OMIM 241510, MONDO:0009428.

Submissions (2):

Labcorp Genetics (formerly Invitae), Labcorp
Classification: Pathogenic. Last evaluated: 2022-06-05. Review status: criteria provided, single submitter. Criteria: Invitae Variant Classification Sherloc (09022015). Collection method: clinical testing. Allele origin: germline.
Comment: For these reasons, this variant has been classified as Pathogenic. Advanced modeling of protein sequence and biophysical properties (such as structural, functional, and spatial information, amino acid conservation, physicochemical variation, residue mobility, and thermodynamic stability) performed at Invitae indicates that this missense variant is expected to disrupt PHEX protein function. ClinVar contains an entry for this variant (Variation ID: 941583). This missense change has been observed in individual(s) with hypophosphatemia (Invitae). It has also been observed to segregate with disease in related individuals. This variant is not present in population databases (gnomAD no frequency). This sequence change replaces tyrosine, which is neutral and polar, with cysteine, which is neutral and slightly polar, at codon 139 of the PHEX protein (p.Tyr139Cys).

Department of Pediatric Endocrinology, Shriners Hospitals for Children - Mexico City
No classification provided. Condition: Childhood hypophosphatasia. Review status: no classification provided. Collection method: phenotyping only. Allele origin: germline. Inheritance: X-linked dominant inheritance. Affected: yes. Observed: 4 variant alleles. Clinical features observed: Hypophosphatemic rickets. Not counted in ClinVar's aggregate classification.

NM_000444.6(PHEX):c.416A>G (p.Tyr139Cys)

Gene: PHEX (phosphate regulating endopeptidase X-linked; plus strand). Cytogenetic location: Xp22.11.
Variant type: single nucleotide variant.
Coding change: c.416A>G on transcript NM_000444.6 (MANE Select); coding-DNA position 416, A replaced by G.
Protein change: p.Tyr139Cys; replaces tyrosine 139 with cysteine.
Molecular consequence: missense variant.
Genome position (GRCh38, 1-based): chrX:22,076,454, A>G. VCF-style: chrX-22076454-A-G. GRCh37 (hg19) VCF-style: chrX-22094572-A-G.
Other names: c.416A>G, p.Tyr139Cys (NM_001282754.2); short protein forms Y139C.
Identifiers: ClinVar variation 941583 (VCV000941583.8), dbSNP rs1929155885, ClinGen allele CA412571166.
Genomic context (GRCh38, chrX:22,076,454, plus strand): 5'-TGGAGAAATCAATCAGTAGAAGGCGGGACACCGAAGCCATACAGAAAGCCAAAATCCTTT[A>G]TTCATCCTGCATGAATGAGAGTGAGTGATGAAGAAAACTAAATAAAATATTTACCATCCC-3'
Protein context (NP_000435.3, residues 129-149): TEAIQKAKIL[Tyr139Cys]SSCMNEKAIE